The following is an entry in ClinVar:

NM_198173.3(GRHL3):c.614C>T (p.Ser205Leu)

Gene: GRHL3 (grainyhead like transcription factor 3; plus strand). Cytogenetic location: 1p36.11.
Variant type: single nucleotide variant.
Coding change: c.614C>T on transcript NM_198173.3 (MANE Select); coding-DNA position 614, C replaced by T.
Protein change: p.Ser205Leu; replaces serine 205 with leucine.
Molecular consequence: missense variant.
Genome position (GRCh38, 1-based): chr1:24,337,079, C>T. VCF-style: chr1-24337079-C-T. GRCh37 (hg19) VCF-style: chr1-24663569-C-T.
Other names: c.476C>T, p.Ser159Leu (NM_001195010.2); c.629C>T, p.Ser210Leu (NM_021180.4); c.614C>T, p.Ser205Leu (NM_198174.3); c.614C>T (NM_198173.2); short protein forms S159L, S205L, S210L.
Identifiers: ClinVar variation 1623453 (VCV001623453.11), dbSNP rs201073516, ClinGen allele CA689948.

ClinVar aggregate classification (germline): Likely benign. Review status: criteria provided, multiple submitters, no conflicts (2 of 4 stars). 3 submissions from 3 submitters: Likely benign (2). 1 of the submissions does not count toward it. Last evaluated 2025-10-03.

Conditions:
Van der Woude syndrome 2 (VWS2). Identifiers: Orphanet 888, MedGen C1847604, MONDO:0011712, OMIM 606713.
GRHL3-related disorder. Also called: GRHL3-related condition.

Allele frequency attached by ClinVar (database versions not stated): ESP Exome Variant Server 0.00031; gnomAD 0.00036 and 0.00037; TOPMed 0.00039; gnomAD exomes 0.00041 and 0.00044; ExAC 0.00048; 1000 Genomes Project 0.00080; 1000 Genomes Project 30x 0.00109.
gnomAD v4.1: 700 of 1,613,770 alleles (0.043%); highest among the groups gnomAD compares: Non-Finnish European, 0.052%; no homozygotes.

Submissions (3):

Labcorp Genetics (formerly Invitae), Labcorp
Classification: Likely benign for Van der Woude syndrome 2. Last evaluated: 2025-10-03. Review status: criteria provided, single submitter. Criteria: Invitae Variant Classification Sherloc (09022015). Collection method: clinical testing. Allele origin: germline.

Blueprint Genetics
Classification: Likely benign. Last evaluated: 2024-11-21. Review status: criteria provided, single submitter. Criteria: ACMG Guidelines, 2015. Collection method: clinical testing. Allele origin: germline.

PreventionGenetics, part of Exact Sciences
Classification: Likely benign for GRHL3-related condition. Last evaluated: 2023-05-02. Review status: no assertion criteria provided. Collection method: clinical testing. Allele origin: germline. Not counted in ClinVar's aggregate classification.
Comment: This variant is classified as likely benign based on ACMG/AMP sequence variant interpretation guidelines (Richards et al. 2015 PMID: 25741868, with internal and published modifications).